The following is an entry in ClinVar:

ClinVar aggregate classification (germline): Pathogenic. Review status: criteria provided, multiple submitters, no conflicts (2 of 4 stars). 2 submissions from 2 submitters: Pathogenic (2). Last evaluated 2023-12-10.

Conditions:
Glutaric aciduria, type 1. Also called: Glutaricaciduria, type I; Glutaric Acidemia Type 1; Glutaryl-CoA dehydrogenase deficiency; Glutaric acidemia type I; Glutaricacidemia Type 1; GA I. Identifiers: Orphanet 25, MedGen C0268595, MONDO:0009281, OMIM 231670.

Submissions (2):

Baylor Genetics
Classification: Pathogenic for Glutaric aciduria, type 1. Last evaluated: 2023-12-10. Review status: criteria provided, single submitter. Criteria: ACMG Guidelines, 2015. Collection method: clinical testing. Allele origin: unknown.

Labcorp Genetics (formerly Invitae), Labcorp
Classification: Pathogenic for Glutaric aciduria, type 1. Last evaluated: 2021-08-02. Review status: criteria provided, single submitter. Criteria: Invitae Variant Classification Sherloc (09022015). Collection method: clinical testing. Allele origin: germline.
Comment: Advanced modeling of protein sequence and biophysical properties (such as structural, functional, and spatial information, amino acid conservation, physicochemical variation, residue mobility, and thermodynamic stability) performed at Invitae indicates that this missense variant is expected to disrupt GCDH protein function. This missense change has been observed in individual(s) with glutaric acidemia (PMID: 28438223, 30570710). This variant is not present in population databases (ExAC no frequency). This sequence change replaces serine with proline at codon 259 of the GCDH protein (p.Ser259Pro). The serine residue is highly conserved and there is a moderate physicochemical difference between serine and proline. This variant disrupts the p.Ser259 amino acid residue in GCDH. Other variant(s) that disrupt this residue have been determined to be pathogenic (PMID: 15505393). This suggests that this residue is clinically significant, and that variants that disrupt this residue are likely to be disease-causing. For these reasons, this variant has been classified as Pathogenic.

Literature cited by the submitters: PubMed 28438223 (cited by Labcorp Genetics (formerly Invitae), Labcorp); PubMed 30570710 (cited by Labcorp Genetics (formerly Invitae), Labcorp); PubMed 15505393 (cited by Labcorp Genetics (formerly Invitae), Labcorp).

NM_000159.4(GCDH):c.775T>C (p.Ser259Pro)

Gene: GCDH (glutaryl-CoA dehydrogenase; plus strand). Cytogenetic location: 19p13.13.
Variant type: single nucleotide variant.
Coding change: c.775T>C on transcript NM_000159.4 (MANE Select); coding-DNA position 775, T replaced by C.
Protein change: p.Ser259Pro; replaces serine 259 with proline.
Molecular consequence: missense variant. On other transcripts: non-coding transcript variant (2).
Genome position (GRCh38, 1-based): chr19:12,896,344, T>C. VCF-style: chr19-12896344-T-C. GRCh37 (hg19) VCF-style: chr19-13007158-T-C.
Other names: c.775T>C, p.Ser259Pro (NM_013976.5); short protein forms S259P.
Identifiers: ClinVar variation 1383091 (VCV001383091.7), dbSNP rs2145951375, ClinGen allele CA404318911.